The following is an entry in ClinVar:

NM_014639.4(SKIC3):c.3253C>G (p.Gln1085Glu)

Gene: SKIC3 (SKI3 subunit of superkiller complex; minus strand). Cytogenetic location: 5q15.
Variant type: single nucleotide variant.
Coding change: c.3253C>G on transcript NM_014639.4 (MANE Select); coding-DNA position 3253, C replaced by G.
Protein change: p.Gln1085Glu; replaces glutamine 1085 with glutamic acid.
Molecular consequence: missense variant.
Genome position (GRCh38, 1-based): chr5:95,502,968, G>C on the plus strand (C>G on the coding strand, the complement: SKIC3 is on the minus strand). VCF-style: chr5-95502968-G-C. GRCh37 (hg19) VCF-style: chr5-94838672-G-C.
Other names: short protein forms Q1085E.
Identifiers: ClinVar variation 1484654 (VCV001484654.5), dbSNP rs202214985, ClinGen allele CA3346789.

ClinVar aggregate classification (germline): Uncertain significance. Review status: criteria provided, multiple submitters, no conflicts (2 of 4 stars). 2 submissions from 2 submitters: Uncertain significance (2). Last evaluated 2025-01-23.

Conditions:
Trichohepatoenteric syndrome 1 (THES1). Also called: DIARRHEA, FATAL INFANTILE, WITH TRICHORRHEXIS NODOSA. Identifiers: Orphanet 84064, MedGen C4551982, MONDO:0024541, OMIM 222470.

Allele frequency attached by ClinVar (database versions not stated): ESP Exome Variant Server 0.00008; ExAC 0.00014; 1000 Genomes Project 30x 0.00016; gnomAD exomes 0.00017 and 0.00047; TOPMed 0.00019; 1000 Genomes Project 0.00020; gnomAD 0.00021 and 0.00022.
gnomAD v4.1: 717 of 1,613,916 alleles (0.044%); highest among the groups gnomAD compares: Non-Finnish European, 0.057%; no homozygotes.

Submissions (2):

Labcorp Genetics (formerly Invitae), Labcorp
Classification: Uncertain significance. Last evaluated: 2025-01-23. Review status: criteria provided, single submitter. Criteria: Invitae Variant Classification Sherloc (09022015). Collection method: clinical testing. Allele origin: germline.
Comment: This sequence change replaces glutamine, which is neutral and polar, with glutamic acid, which is acidic and polar, at codon 1085 of the TTC37 protein (p.Gln1085Glu). This variant is present in population databases (rs202214985, gnomAD 0.03%). This variant has not been reported in the literature in individuals affected with TTC37-related conditions. ClinVar contains an entry for this variant (Variation ID: 1484654). An algorithm developed to predict the effect of missense changes on protein structure and function (PolyPhen-2) suggests that this variant¬†is likely to be tolerated. In summary, the available evidence is currently insufficient to determine the role of this variant in disease. Therefore, it has been classified as a Variant of Uncertain Significance.

Fulgent Genetics
Classification: Uncertain significance for Trichohepatoenteric syndrome 1. Last evaluated: 2021-07-08. Review status: criteria provided, single submitter. Criteria: ACMG Guidelines, 2015. Collection method: clinical testing. Allele origin: unknown.